The following is an entry in ClinVar:

NM_005902.4(SMAD3):c.1009+2T>A

Gene: SMAD3 (SMAD family member 3; plus strand). Cytogenetic location: 15q22.33.
Variant type: single nucleotide variant.
Coding change: c.1009+2T>A on transcript NM_005902.4 (MANE Select); the canonical splice donor site of the intron after coding-DNA position 1009, T replaced by A.
Molecular consequence: splice donor variant. On other transcripts: intron variant (1).
Genome position (GRCh38, 1-based): chr15:67,184,866, T>A. VCF-style: chr15-67184866-T-A. GRCh37 (hg19) VCF-style: chr15-67477204-T-A.
Other names: c.1009+2T>A (NM_001407011.1, NM_005902.3); c.872-2499T>A (NM_001407013.1); c.877+2T>A (NM_001407012.1, NM_001145103.2); c.862+2T>A (NM_001407014.1); c.694+2T>A (NM_001145102.2, NM_001407016.1); c.562+2T>A (NM_001407015.1); c.424+2T>A (NM_001145104.2, NM_001407017.1).
Identifiers: ClinVar variation 4537841 (VCV004537841.3).

ClinVar aggregate classification (germline): Likely pathogenic. Review status: criteria provided, multiple submitters, no conflicts (2 of 4 stars). 3 submissions from 3 submitters: Likely pathogenic (3). Last evaluated 2026-04-29.

Conditions:
Familial thoracic aortic aneurysm and aortic dissection (TAAD). Also called: Thoracic aortic aneurysms and dissections. Identifiers: Orphanet 91387, MedGen C4707243, MONDO:0019625.
Loeys-Dietz syndrome (LDS). Identifiers: Orphanet 60030, MedGen C2697932, MONDO:0018954.

gnomAD v4.1: 1 of 1,612,550 alleles (0.000062%); highest among the groups gnomAD compares: Non-Finnish European, 0.000085%; no homozygotes.

Submissions (3):

Women's Health and Genetics/Laboratory Corporation of America, LabCorp
Classification: Likely pathogenic for Loeys-Dietz syndrome. Last evaluated: 2026-04-29. Review status: criteria provided, single submitter. Criteria: LabCorp Variant Classification Summary - May 2015. Collection method: clinical testing. Allele origin: germline.
Comment: Variant summary: SMAD3 c.1009+2T>A is located in a canonical splice-site and is predicted to affect mRNA splicing resulting in a significantly altered protein due to either exon skipping, shortening, or inclusion of intronic material. Variants that disrupt the consensus splice site are a relatively common cause of aberrant splicing and loss of SMAD3 function. Several computational tools predict a significant impact on normal splicing: Four predict the variant abolishes a 5' splicing donor site. However, these predictions have yet to be confirmed by functional studies. The variant was absent in 251094 control chromosomes. c.1009+2T>A has been observed in individuals SMAD3 related Loeys-Dietz syndrome (e.g. Nevidomskyte_2017). These data indicate that the variant may be associated with disease. To our knowledge, no experimental evidence demonstrating an impact on protein function has been reported. The following publications have been ascertained in the context of this evaluation (PMID: 24657066, 29510914, 28286188, 29392890). ClinVar contains an entry for this variant (Variation ID: 4537841). Based on the evidence outlined above, the variant was classified as likely pathogenic.

Ambry Genetics
Classification: Likely pathogenic for Familial thoracic aortic aneurysm and aortic dissection. Last evaluated: 2025-10-10. Review status: criteria provided, single submitter. Criteria: Ambry Variant Classification Scheme 2023. Collection method: clinical testing. Allele origin: germline.
Comment: The c.1009+2T>A intronic variant results from a T to A substitution two nucleotides after coding exon 7 in the SMAD3 gene. Alterations that disrupt the canonical splice site are expected to result in aberrant splicing. In silico splice site analysis predicts that this alteration will weaken the native splice donor site. A resulting transcript is predicted to be in-frame and is not expected to trigger nonsense-mediated mRNAdecay; although, direct evidence is unavailable. However, the region predicted to be impacted is critical for protein function (Ambry internal data). This variant was identified in one or more individuals with features consistent with SMAD3-related Loeys-Dietz syndrome and segregated with disease in at least one family (Nevidomskyte D et al. Ann Vasc Surg, 2017 May;41:283.e5-283.e9; Ambry internal data). This variant is considered to be rare based on population cohorts in the Genome Aggregation Database (gnomAD). This nucleotide position is highly conserved in available vertebrate species. Based on the majority of available evidence to date, this variant is likely to be pathogenic.

GeneDx
Classification: Likely pathogenic. Last evaluated: 2025-06-12. Review status: criteria provided, single submitter. Criteria: GeneDx Variant Classification Process June 2021. Collection method: clinical testing. Allele origin: germline. Affected: yes.
Comment: Canonical splice site variant predicted to result in an in-frame loss of the adjacent exon in a gene for which loss of function is a known mechanism of disease; Not observed at significant frequency in large population cohorts (gnomAD); This variant is associated with the following publications: (PMID: 29392890, 24657066, 28286188, 29510914)

Literature cited by the submitters: PubMed 29510914 (cited by Women's Health and Genetics/Laboratory Corporation of America, LabCorp); PubMed 29392890 (cited by Women's Health and Genetics/Laboratory Corporation of America, LabCorp); PubMed 24657066 (cited by Women's Health and Genetics/Laboratory Corporation of America, LabCorp); PubMed 28286188 (cited by Women's Health and Genetics/Laboratory Corporation of America, LabCorp and Ambry Genetics).